The following is an entry in ClinVar:

NM_001367823.1(ARHGEF18):c.3859C>T (p.Arg1287Cys)

Gene: ARHGEF18 (Rho/Rac guanine nucleotide exchange factor 18; plus strand). Cytogenetic location: 19p13.2.
Variant type: single nucleotide variant.
Coding change: c.3859C>T on transcript NM_001367823.1 (MANE Select); coding-DNA position 3859, C replaced by T.
Protein change: p.Arg1287Cys; replaces arginine 1287 with cysteine.
Molecular consequence: missense variant.
Genome position (GRCh38, 1-based): chr19:7,469,975, C>T. VCF-style: chr19-7469975-C-T. GRCh37 (hg19) VCF-style: chr19-7534861-C-T.
Other names: c.2821C>T, p.Arg941Cys (NM_001367824.1, NM_015318.4); c.3133C>T, p.Arg1045Cys (NM_001130955.2); short protein forms R941C, R1045C, R1287C.
Identifiers: ClinVar variation 2076982 (VCV002076982.4), dbSNP rs776988998, ClinGen allele CA9137267.

ClinVar aggregate classification (germline): Uncertain significance (1 of 4 stars; one submission).

Allele frequency attached by ClinVar (database versions not stated): gnomAD exomes below 0.00001; TOPMed below 0.00001; ExAC 0.00002.
gnomAD v4.1: 6 of 1,613,192 alleles (0.00037%); highest among the groups gnomAD compares: East Asian, 0.0022%; no homozygotes.

Submission:

Labcorp Genetics (formerly Invitae), Labcorp
Classification: Uncertain significance. Last evaluated: 2021-12-16. Review status: criteria provided, single submitter. Criteria: Invitae Variant Classification Sherloc (09022015). Collection method: clinical testing. Allele origin: germline.
Comment: This sequence change replaces arginine, which is basic and polar, with cysteine, which is neutral and slightly polar, at codon 1099 of the ARHGEF18 protein (p.Arg1099Cys). This variant is present in population databases (rs776988998, gnomAD 0.004%). This variant has not been reported in the literature in individuals affected with ARHGEF18-related conditions. Algorithms developed to predict the effect of missense changes on protein structure and function (SIFT, PolyPhen-2, Align-GVGD) all suggest that this variant is likely to be disruptive. In summary, the available evidence is currently insufficient to determine the role of this variant in disease. Therefore, it has been classified as a Variant of Uncertain Significance.